The following is an entry in ClinVar:

ClinVar aggregate classification (germline): Benign. Review status: criteria provided, multiple submitters, no conflicts (2 of 4 stars). 2 submissions from 2 submitters: Benign (2). Last evaluated 2018-06-14.

Allele frequency attached by ClinVar (database versions not stated): gnomAD exomes 0.00184; 1000 Genomes Project 0.01483; 1000 Genomes Project 30x 0.01561; gnomAD 0.01895 and 0.02041; TOPMed 0.02162.
gnomAD v4.1: 3,590 of 900,970 alleles (0.4%); highest among the groups gnomAD compares: African/African-American, 6.6%; 82 homozygotes.

Submissions (2):

GeneDx
Classification: Benign. Last evaluated: 2018-06-14. Review status: criteria provided, single submitter. Criteria: GeneDx Variant Classification (06012015). Collection method: clinical testing. Allele origin: germline. Affected: yes.
Comment: This variant is considered likely benign or benign based on one or more of the following criteria: it is a conservative change, it occurs at a poorly conserved position in the protein, it is predicted to be benign by multiple in silico algorithms, and/or has population frequency not consistent with disease.

Breakthrough Genomics
Classification: Benign. Review status: criteria provided, single submitter. Criteria: ACMG Guidelines, 2015. Collection method: not provided. Allele origin: germline. Inheritance: X-linked inheritance. Affected: yes.

NM_004006.3(DMD):c.1482+91G>C

Gene: DMD (dystrophin; minus strand). Cytogenetic location: Xp21.1.
Variant type: single nucleotide variant.
Coding change: c.1482+91G>C on transcript NM_004006.3 (MANE Select); 91 bases into the intron after coding-DNA position 1482, G replaced by C.
Molecular consequence: intron variant.
Genome position (GRCh38, 1-based): chrX:32,614,212, C>G on the plus strand (G>C on the coding strand, the complement: DMD is on the minus strand). VCF-style: chrX-32614212-C-G. GRCh37 (hg19) VCF-style: chrX-32632329-C-G.
Other names: c.1458+91G>C (NM_000109.4); c.1470+91G>C (NM_004009.3); c.1113+91G>C (NM_004010.3).
Identifiers: ClinVar variation 675355 (VCV000675355.2), dbSNP rs12010638, ClinGen allele CA328539612.